The following is an entry in ClinVar:

NM_006767.4(LZTR1):c.320+13G>T

Gene: LZTR1 (leucine zipper like post translational regulator 1; plus strand). Cytogenetic location: 22q11.21.
Variant type: single nucleotide variant.
Coding change: c.320+13G>T on transcript NM_006767.4 (MANE Select); 13 bases into the intron after coding-DNA position 320, G replaced by T.
Molecular consequence: intron variant.
Genome position (GRCh38, 1-based): chr22:20,985,910, G>T. VCF-style: chr22-20985910-G-T. GRCh37 (hg19) VCF-style: chr22-21340199-G-T.
Identifiers: ClinVar variation 390570 (VCV000390570.9), dbSNP rs188924002, ClinGen allele CA10118355.

ClinVar aggregate classification (germline): Likely benign. Review status: criteria provided, multiple submitters, no conflicts (2 of 4 stars). 3 submissions from 3 submitters: Likely benign (3). Last evaluated 2026-01-05.

Allele frequency attached by ClinVar (database versions not stated): TOPMed 0.00002.
gnomAD v4.1: 34 of 1,613,622 alleles (0.0021%); highest among the groups gnomAD compares: Non-Finnish European, 0.0026%; no homozygotes.

Submissions (3):

Labcorp Genetics (formerly Invitae), Labcorp
Classification: Likely benign. Last evaluated: 2026-01-05. Review status: criteria provided, single submitter. Criteria: Invitae Variant Classification Sherloc (09022015). Collection method: clinical testing. Allele origin: germline.

Women's Health and Genetics/Laboratory Corporation of America, LabCorp
Classification: Likely benign. Last evaluated: 2025-05-20. Review status: criteria provided, single submitter. Criteria: LabCorp Variant Classification Summary - May 2015. Collection method: clinical testing. Allele origin: germline.

GeneDx
Classification: Likely benign. Last evaluated: 2016-11-07. Review status: criteria provided, single submitter. Criteria: GeneDx Variant Classification (06012015). Collection method: clinical testing. Allele origin: germline. Affected: yes.
Comment: This variant is considered likely benign or benign based on one or more of the following criteria: it is a conservative change, it occurs at a poorly conserved position in the protein, it is predicted to be benign by multiple in silico algorithms, and/or has population frequency not consistent with disease.